The following is an entry in ClinVar:

NM_002437.5(MPV17):c.112del (p.Val38fs)

Gene: MPV17 (mitochondrial inner membrane protein MPV17; minus strand). Cytogenetic location: 2p23.3.
Variant type: Deletion.
Coding change: c.112del on transcript NM_002437.5 (MANE Select); coding-DNA position 112, one base deleted (G; older notation c.112delG).
Protein change: p.Val38fs; shifts the reading frame from valine 38.
Molecular consequence: frameshift variant.
Genome position (GRCh38, 1-based): chr2:27,313,068, C deleted on the plus strand (G on the coding strand, the reverse complement: MPV17 is on the minus strand); the first of 2 consecutive C bases (chr2:27,313,068-27,313,069); deleting either gives the same sequence. VCF-style (leftmost placement, unchanged base first): chr2-27313067-AC-A. GRCh37 (hg19) VCF-style: chr2-27535934-AC-A.
Other names: c.112delG (NM_002437.5); short protein forms V38fs.
Identifiers: ClinVar variation 3902229 (VCV003902229.1).

ClinVar aggregate classification (germline): Pathogenic (1 of 4 stars; one submission).

Conditions:
Mitochondrial DNA depletion syndrome 6 (hepatocerebral type). Also called: NAVAJO NEUROPATHY; Navajo neurohepatopathy; Mitochondrial DNA depletion syndrome type 6. Identifiers: Orphanet 255229, MedGen C1850406, MONDO:0009747, OMIM 256810.

Submission:

Women's Health and Genetics/Laboratory Corporation of America, LabCorp
Classification: Pathogenic for Mitochondrial DNA depletion syndrome 6 (hepatocerebral type). Last evaluated: 2025-05-14. Review status: criteria provided, single submitter. Criteria: LabCorp Variant Classification Summary - May 2015. Collection method: clinical testing. Allele origin: germline.
Comment: Variant summary: MPV17 c.112delG (p.Val38TrpfsX15) results in a premature termination codon, predicted to cause a truncation of the encoded protein or absence of the protein due to nonsense mediated decay, which are commonly known mechanisms for disease. The variant was absent in 251492 control chromosomes. To our knowledge, no occurrence of c.112delG in individuals affected with Mitochondrial DNA depletion syndrome 6 (hepatocerebral type) and no experimental evidence demonstrating its impact on protein function have been reported. No submitters have cited clinical-significance assessments for this variant to ClinVar. Based on the evidence outlined above, the variant was classified as pathogenic.